The following is an entry in ClinVar:

NM_007294.4(BRCA1):c.4358-2715C>A

Gene: BRCA1 (BRCA1 DNA repair associated; minus strand). Cytogenetic location: 17q21.31.
Variant type: single nucleotide variant.
Coding change: c.4358-2715C>A on transcript NM_007294.4 (MANE Select); 2715 bases into the intron before coding-DNA position 4358, C replaced by A.
Molecular consequence: intron variant.
Genome position (GRCh38, 1-based): chr17:43,079,329, G>T on the plus strand (C>A on the coding strand, the complement: BRCA1 is on the minus strand). VCF-style: chr17-43079329-G-T. GRCh37 (hg19) VCF-style: chr17-41231346-G-T.
Other names: c.908-2718C>A (NM_001408458.1, NM_001408461.1, NM_001408459.1 and 1 more transcripts); c.3470-2718C>A (NM_001407967.1); c.3977-2715C>A (NM_001407959.1); c.4091-2715C>A (NM_001407931.1, NM_001407932.1, NM_001407930.1 and 1 more transcripts); c.4214-2715C>A (NM_001407747.1, NM_001407745.1, NM_001407746.1 and 11 more transcripts); c.3974-2715C>A (NM_001407962.1); c.545-2715C>A (NM_001408512.1); c.668-2715C>A (NM_001408510.1); and 98 more.
Identifiers: ClinVar variation 371860 (VCV000371860.13), dbSNP rs746972533, ClinGen allele CA060032.
Genomic context (GRCh38, chr17:43,079,329, plus strand): 5'-GCCAGAACCACCATCTTTCAGTAATTTGCCAAAATGACGAACACAAAGGGAAAGAGGAGA[G>T]GCACCTGATATATGTTCTCTAGGCCTTTTAGAAAACATGGAGTTGTTCCTTTGGCCATGT-3'

ClinVar aggregate classification (germline): Likely benign. Review status: criteria provided, multiple submitters, no conflicts (2 of 4 stars). 4 submissions from 4 submitters: Likely benign (2). 2 of the submissions do not count toward it. Last evaluated 2025-11-01.

Conditions:
BRCA1-related disorder. Also called: BRCA1-related condition.
Breast-ovarian cancer, familial, susceptibility to, 1 (BROVCA1). Also called: BRCA1 Hereditary Breast and Ovarian Cancer; OVARIAN CANCER, SUSCEPTIBILITY TO. Identifiers: Orphanet 145, MedGen C2676676, MONDO:0011450, OMIM 604370. Disease mechanism: loss of function.

Allele frequency attached by ClinVar (database versions not stated): ExAC 0.00001; gnomAD 0.00001; gnomAD exomes 0.00001; TOPMed 0.00001.
gnomAD v4.1: 40 of 1,590,192 alleles (0.0025%); highest among the groups gnomAD compares: Non-Finnish European, 0.0032%; no homozygotes.

Submissions (4):

CeGaT Center for Human Genetics Tuebingen
Classification: Likely benign. Last evaluated: 2025-11-01. Review status: criteria provided, single submitter. Criteria: CeGaT Center For Human Genetics Tuebingen Variant Classification Criteria Version 2. Collection method: clinical testing. Allele origin: germline. Affected: yes. Observed: 1 variant allele.
Comment: BRCA1: BP4

Mendelics
Classification: Likely benign for Breast-ovarian cancer, familial, susceptibility to, 1. Last evaluated: 2019-05-28. Review status: criteria provided, single submitter. Criteria: Mendelics Assertion Criteria 2017. Collection method: clinical testing. Allele origin: unknown.

PreventionGenetics, part of Exact Sciences
Classification: Likely benign for BRCA1-related condition. Last evaluated: 2024-01-03. Review status: no assertion criteria provided. Collection method: clinical testing. Allele origin: germline. Not counted in ClinVar's aggregate classification.
Comment: This variant is classified as likely benign based on ACMG/AMP sequence variant interpretation guidelines (Richards et al. 2015 PMID: 25741868, with internal and published modifications).

Counsyl
Classification: Likely benign for Breast-ovarian cancer, familial, susceptibility to, 1. Last evaluated: 2016-05-23. Review status: no assertion criteria provided. Collection method: clinical testing. Allele origin: unknown. Not counted in ClinVar's aggregate classification.